The following is an entry in ClinVar:

NM_006393.3(NEBL):c.652C>T (p.His218Tyr)

Gene: NEBL (nebulette; minus strand). Cytogenetic location: 10p12.31.
Variant type: single nucleotide variant.
Coding change: c.652C>T on transcript NM_006393.3 (MANE Select); coding-DNA position 652, C replaced by T.
Protein change: p.His218Tyr; replaces histidine 218 with tyrosine.
Molecular consequence: missense variant. On other transcripts: intron variant (9).
Genome position (GRCh38, 1-based): chr10:20,868,696, G>A on the plus strand (C>T on the coding strand, the complement: NEBL is on the minus strand). VCF-style: chr10-20868696-G-A. GRCh37 (hg19) VCF-style: chr10-21157625-G-A.
Other names: c.250-55756C>T (NM_001377326.1, NM_001377327.1, NM_001377328.1); c.358-55756C>T (NM_213569.2, NM_001173484.2, NM_001377322.1); c.301-55756C>T (NM_001377324.1); c.292-55756C>T (NM_001377325.1); c.310-55756C>T (NM_001377323.1); short protein forms H218Y.
Identifiers: ClinVar variation 1965230 (VCV001965230.7), dbSNP rs139016784, ClinGen allele CA5433164.

ClinVar aggregate classification (germline): Uncertain significance. Review status: criteria provided, multiple submitters, no conflicts (2 of 4 stars). 2 submissions from 2 submitters: Uncertain significance (2). Last evaluated 2024-12-04.

Conditions:
Primary dilated cardiomyopathy (DCM). Also called: Dilated Cardiomyopathy. Identifiers: Orphanet 217604, MedGen C0007193, MeSH D002311, MONDO:0005021, HP:0001644. Inheritance: Various modes of inheritance.

Allele frequency attached by ClinVar (database versions not stated): ExAC 0.00001; gnomAD 0.00001; TOPMed 0.00001; ESP Exome Variant Server 0.00008.

Submissions (2):

Ambry Genetics
Classification: Uncertain significance. Last evaluated: 2024-12-04. Review status: criteria provided, single submitter. Criteria: Ambry Variant Classification Scheme 2023. Collection method: clinical testing. Allele origin: germline.

Labcorp Genetics (formerly Invitae), Labcorp
Classification: Uncertain significance for Primary dilated cardiomyopathy. Last evaluated: 2022-05-05. Review status: criteria provided, single submitter. Criteria: Invitae Variant Classification Sherloc (09022015). Collection method: clinical testing. Allele origin: germline.
Comment: In summary, the available evidence is currently insufficient to determine the role of this variant in disease. Therefore, it has been classified as a Variant of Uncertain Significance. Algorithms developed to predict the effect of missense changes on protein structure and function are either unavailable or do not agree on the potential impact of this missense change (SIFT: "Deleterious"; PolyPhen-2: "Probably Damaging"; Align-GVGD: "Class C0"). This variant has not been reported in the literature in individuals affected with NEBL-related conditions. This variant is present in population databases (rs139016784, gnomAD 0.009%). This sequence change replaces histidine, which is basic and polar, with tyrosine, which is neutral and polar, at codon 218 of the NEBL protein (p.His218Tyr).